The following is an entry in ClinVar:

ClinVar aggregate classification (germline): Pathogenic. Review status: reviewed by expert panel (3 of 4 stars). 6 submissions from 6 submitters: Pathogenic (1). 5 of the submissions do not count toward it. Last evaluated 2017-12-15.

Conditions:
Hereditary cancer-predisposing syndrome. Also called: Hereditary neoplastic syndrome; Hereditary Cancer Syndrome; Neoplastic Syndromes, Hereditary; Tumor predisposition. Identifiers: Orphanet 140162, MedGen C0027672, MeSH D009386, MONDO:0015356.
Breast-ovarian cancer, familial, susceptibility to, 2 (BROVCA2). Also called: BRCA2 Hereditary Breast and Ovarian Cancer. Identifiers: Orphanet 145, MedGen C2675520, MONDO:0012933, OMIM 612555. Disease mechanism: loss of function.
Hereditary breast ovarian cancer syndrome. Also called: Hereditary breast and ovarian cancer syndrome; BRCA1- and BRCA2-Associated Hereditary Breast and Ovarian Cancer; Hereditary breast and/or ovarian cancer syndrome; Hereditary breast and ovarian cancer; Breast and ovarian cancer; Hereditary breast and ovarian cancer syndrome (HBOC). Identifiers: Orphanet 145, MedGen C0677776, MeSH D061325, MONDO:0003582. Disease mechanism: loss of function.

Submissions (6):

Evidence-based Network for the Interpretation of Germline Mutant Alleles (ENIGMA)
Classification: Pathogenic for Breast-ovarian cancer, familial, susceptibility to, 2. Last evaluated: 2017-12-15. Review status: reviewed by expert panel. Criteria: ENIGMA BRCA1/2 Classification Criteria (2017-06-29). Collection method: curation. Allele origin: germline. Study: ENIGMA.
Comment: Variant allele predicted to encode a truncated non-functional protein.

GeneDx
Classification: Pathogenic. Last evaluated: 2025-08-26. Review status: criteria provided, single submitter. Criteria: GeneDx Variant Classification Process June 2021. Collection method: clinical testing. Allele origin: germline. Affected: yes. Not counted in ClinVar's aggregate classification.
Comment: Frameshift variant predicted to result in protein truncation or nonsense mediated decay in a gene for which loss of function is a known mechanism of disease; Observed in individuals with a personal or family history consistent with pathogenic variants in this gene (PMID: 30103829, 32438681); Not observed at significant frequency in large population cohorts (gnomAD); Truncating variants in this gene are considered pathogenic by a well-established clinical consortium and/or database; Also known as 4647del; This variant is associated with the following publications: (PMID: 30103829, 32438681, 31618753)

Labcorp Genetics (formerly Invitae), Labcorp
Classification: Pathogenic for Hereditary breast ovarian cancer syndrome. Last evaluated: 2025-08-11. Review status: criteria provided, single submitter. Criteria: Invitae Variant Classification Sherloc (09022015). Collection method: clinical testing. Allele origin: germline. Not counted in ClinVar's aggregate classification.
Comment: This sequence change creates a premature translational stop signal (p.Asn1473Lysfs*6) in the BRCA2 gene. It is expected to result in an absent or disrupted protein product. Loss-of-function variants in BRCA2 are known to be pathogenic (PMID: 20104584). This variant is not present in population databases (gnomAD no frequency). This variant has not been reported in the literature in individuals affected with BRCA2-related conditions. ClinVar contains an entry for this variant (Variation ID: 420191). For these reasons, this variant has been classified as Pathogenic.

Ambry Genetics
Classification: Pathogenic for Hereditary cancer-predisposing syndrome. Last evaluated: 2023-05-10. Review status: criteria provided, single submitter. Criteria: Ambry Variant Classification Scheme 2023. Collection method: clinical testing. Allele origin: germline. Not counted in ClinVar's aggregate classification.
Comment: The c.4419delC pathogenic mutation, located in coding exon 10 of the BRCA2 gene, results from a deletion of one nucleotide at nucleotide position 4419, causing a translational frameshift with a predicted alternate stop codon (p.N1473Kfs*6). This alteration was detected in 1/398 patients with a diagnosis of epithelial ovarian cancer (Cardoso FC et al. Hum. Genomics, 2018 08;12:39). In addition to the clinical data presented in the literature, this alteration is expected to result in loss of function by premature protein truncation or nonsense-mediated mRNA decay. As such, this alteration is interpreted as a disease-causing mutation.

Color Diagnostics, LLC DBA Color Health
Classification: Pathogenic for Hereditary cancer-predisposing syndrome. Last evaluated: 2020-01-15. Review status: criteria provided, single submitter. Criteria: ACMG Guidelines, 2015. Collection method: clinical testing. Allele origin: germline. Not counted in ClinVar's aggregate classification.
Comment: This variant deletes 1 nucleotide in exon 11 of the BRCA2 gene, creating a frameshift and premature translation stop signal. This variant is expected to result in an absent or non-functional protein product. This variant has not been identified in the general population by the Genome Aggregation Database (gnomAD). Loss of BRCA2 function is a known mechanism of disease. Based on the available evidence, this variant is classified as Pathogenic.

Laboratory for Molecular Medicine, Mass General Brigham Personalized Medicine
Classification: Pathogenic for Hereditary breast ovarian cancer syndrome. Last evaluated: 2016-12-23. Review status: criteria provided, single submitter. Criteria: ACMG Guidelines, 2015. Collection method: clinical testing. Allele origin: germline. Inheritance: Autosomal dominant inheritance. Not counted in ClinVar's aggregate classification.
Comment: The p.Asn1473fs variant in BRCA2 has not been previously reported in individuals with hereditary breast or ovarian cancer (HBOC) and was absent from large population studies. This variant is predicted to cause a frameshift, which alters the protein’s amino acid sequence beginning at position 1473 and leads to a premature termination codon 6 amino acids downstream. This alteration is then predicted to lead to a truncated or absent protein. Heterozygous loss of function of function of the BRCA2 gene is an established disease mechanism in HBOC. In summary, this variant meets criteria to be classified as pathogenic for HBOC in an autosomal dominant manner.

Literature cited by the submitters: PubMed 20104584 (cited by Labcorp Genetics (formerly Invitae), Labcorp); PubMed 30103829 (cited by Ambry Genetics).

NM_000059.4(BRCA2):c.4419del (p.Asn1473fs)

Gene: BRCA2 (BRCA2 DNA repair associated; plus strand). Cytogenetic location: 13q13.1.
Variant type: Deletion.
Coding change: c.4419del on transcript NM_000059.4 (MANE Select); coding-DNA position 4419, one base deleted (C; older notation c.4419delC).
Protein change: p.Asn1473fs; shifts the reading frame from asparagine 1473.
Molecular consequence: frameshift variant.
Genome position (GRCh38, 1-based): chr13:32,338,774, C deleted. VCF-style (leftmost placement, unchanged base first): chr13-32338773-AC-A. GRCh37 (hg19) VCF-style: chr13-32912910-AC-A.
Other names: c.4419delC (NM_000059.3).
Identifiers: ClinVar variation 420191 (VCV000420191.22), dbSNP rs1064794337, ClinGen allele CA16619709.